The following is an entry in ClinVar:

NM_001134363.3(RBM20):c.2303C>T (p.Ser768Leu)

Gene: RBM20 (RNA binding motif protein 20; plus strand). Cytogenetic location: 10q25.2.
Variant type: single nucleotide variant.
Coding change: c.2303C>T on transcript NM_001134363.3 (MANE Select); coding-DNA position 2303, C replaced by T.
Protein change: p.Ser768Leu; replaces serine 768 with leucine.
Molecular consequence: missense variant.
Genome position (GRCh38, 1-based): chr10:110,812,700, C>T. VCF-style: chr10-110812700-C-T. GRCh37 (hg19) VCF-style: chr10-112572458-G-T.
Other names: p.W768L:TGG>TTG; short protein forms S768L.
Identifiers: ClinVar variation 43988 (VCV000043988.33), dbSNP rs1417635, ClinGen allele CA133310.
Genomic context (GRCh38, chr10:110,812,700, plus strand): 5'-CTGTGTCCAGCTACAAAAGCCGTGAAGACGGCTACTACCGGAAAGAGCCCAAAGCCAAGT[C>T]GGACAAGTATCTGAAGCAGCAGCAGGATGCCCCCGGGAGGTCCAGGAGGAAAGACGAGGC-3'
Protein context (NP_001127835.2, residues 758-778): GYYRKEPKAK[Ser768Leu]DKYLKQQQDA

ClinVar aggregate classification (germline): Benign/Likely benign. Review status: criteria provided, multiple submitters, no conflicts (2 of 4 stars). 12 submissions from 12 submitters: Benign (7); Likely benign (3). 2 of the submissions do not count toward it. Last evaluated 2026-02-03.

Conditions:
Cardiovascular phenotype. Identifiers: MedGen CN230736.
Cardiomyopathy (CMYO). Also called: Cardiomyopathies. Identifiers: Orphanet 167848, MedGen C0878544, MONDO:0004994, HP:0001638. Inheritance: Various modes of inheritance.
Dilated cardiomyopathy 1DD (CMD1DD). Identifiers: Orphanet 154, MedGen C2750995, MONDO:0013168, OMIM 613172.

Allele frequency attached by ClinVar (database versions not stated): 1000 Genomes Project 30x 0.00500; 1000 Genomes Project 0.00519; TOPMed 0.00612.
gnomAD v4.1: 1,890 of 1,551,660 alleles (0.12%); highest among the groups gnomAD compares: African/African-American, 1.8%; 8 homozygotes.

Submissions (12):

Labcorp Genetics (formerly Invitae), Labcorp
Classification: Benign for Dilated cardiomyopathy 1DD. Last evaluated: 2026-02-03. Review status: criteria provided, single submitter. Criteria: Invitae Variant Classification Sherloc (09022015). Collection method: clinical testing. Allele origin: germline.

Molecular Diagnostic Laboratory for Inherited Cardiovascular Disease, Montreal Heart Institute
Classification: Likely benign. Last evaluated: 2025-04-09. Review status: criteria provided, single submitter. Criteria: ACMG Guidelines, 2015. Collection method: clinical testing. Allele origin: germline. Affected: no.

ARUP Laboratories, Molecular Genetics and Genomics, ARUP Laboratories
Classification: Benign for Dilated cardiomyopathy 1DD. Last evaluated: 2024-07-22. Review status: criteria provided, single submitter. Criteria: ARUP Molecular Germline Variant Investigation Process 2024. Collection method: clinical testing. Allele origin: germline.

Blueprint Genetics
Classification: Likely benign. Last evaluated: 2024-07-08. Review status: criteria provided, single submitter. Criteria: ACMG Guidelines, 2015. Collection method: clinical testing. Allele origin: germline.

Women's Health and Genetics/Laboratory Corporation of America, LabCorp
Classification: Benign. Last evaluated: 2023-10-30. Review status: criteria provided, single submitter. Criteria: LabCorp Variant Classification Summary - May 2015. Collection method: clinical testing. Allele origin: germline.
Comment: Variant summary: RBM20 c.2303C>T (p.Ser768Leu) results in a non-conservative amino acid change in the encoded protein sequence. Three of five in-silico tools predict a benign effect of the variant on protein function. The variant allele was found at a frequency of 0.0012 in 156550 control chromosomes. The observed variant frequency is approximately 46 fold of the estimated maximal expected allele frequency for a pathogenic variant in RBM20 causing Cardiomyopathy phenotype (2.5e-05), strongly suggesting that the variant is benign. Five clinical diagnostic laboratories have submitted clinical-significance assessments for this variant to ClinVar after 2014 without evidence for independent evaluation. All laboratories classified the variant as benign/likely benign. Based on the evidence outlined above, the variant was classified as benign.

Illumina Laboratory Services, Illumina
Classification: Likely benign for Dilated cardiomyopathy 1DD. Last evaluated: 2018-01-13. Review status: criteria provided, single submitter. Criteria: ICSL Variant Classification Criteria 13 December 2019. Collection method: clinical testing. Allele origin: germline.
Comment: This variant was observed in the ICSL laboratory as part of a predisposition screen in an ostensibly healthy population. It had not been previously curated by ICSL or reported in the Human Gene Mutation Database (HGMD: prior to June 1st, 2018), and was therefore a candidate for classification through an automated scoring system. Utilizing variant allele frequency, disease prevalence and penetrance estimates, and inheritance mode, an automated score was calculated to assess if this variant is too frequent to cause the disease. Based on the score and internal cut-off values, a variant classified as likely benign is not then subjected to further curation. The score for this variant resulted in a classification of likely benign for this disease.

CHEO Genetics Diagnostic Laboratory, Children's Hospital of Eastern Ontario
Classification: Benign for Cardiomyopathy. Last evaluated: 2016-06-29. Review status: criteria provided, single submitter. Criteria: ACMG Guidelines, 2015. Collection method: clinical testing. Allele origin: germline. Study: Canadian Open Genetics Repository.

Ambry Genetics
Classification: Benign for Cardiovascular phenotype. Last evaluated: 2015-09-17. Review status: criteria provided, single submitter. Criteria: Ambry Variant Classification Scheme 2023. Collection method: clinical testing. Allele origin: germline.

GeneDx
Classification: Benign. Last evaluated: 2014-05-12. Review status: criteria provided, single submitter. Criteria: GeneDx Variant Classification (06012015). Collection method: clinical testing. Allele origin: germline. Affected: yes.
Comment: This variant is considered likely benign or benign based on one or more of the following criteria: it is a conservative change, it occurs at a poorly conserved position in the protein, it is predicted to be benign by multiple in silico algorithms, and/or has population frequency not consistent with disease.

Laboratory for Molecular Medicine, Mass General Brigham Personalized Medicine
Classification: Benign. Last evaluated: 2012-07-17. Review status: criteria provided, single submitter. Criteria: LMM Criteria. Collection method: clinical testing. Allele origin: germline. Observed: 4 variant alleles.
Comment: p.Trp768Leu in Exon 09 of RBM20: This variant is not expected to have clinical s ignificance because it has been identified in 2.6% (18/702) of African American chromosomes from a broad population by the NHLBI Exome Sequencing Project (dbSNP rs1417635).

Clinical Genetics DNA and cytogenetics Diagnostics Lab, Erasmus MC, Erasmus Medical Center
Classification: Benign. Review status: no assertion criteria provided. Collection method: clinical testing. Allele origin: germline. Affected: yes. Study: VKGL Data-share Consensus. Not counted in ClinVar's aggregate classification.

Clinical Genetics, Academic Medical Center
Classification: Benign. Review status: no assertion criteria provided. Collection method: clinical testing. Allele origin: germline. Affected: yes. Study: VKGL Data-share Consensus. Not counted in ClinVar's aggregate classification.